The following is an entry in ClinVar:

ClinVar aggregate classification (germline): Uncertain significance (1 of 4 stars; one submission).

gnomAD v4.1: 15 of 1,613,586 alleles (0.00093%); highest among the groups gnomAD compares: East Asian, 0.0067%; no homozygotes.

Submission:

Labcorp Genetics (formerly Invitae), Labcorp
Classification: Uncertain significance. Last evaluated: 2025-11-18. Review status: criteria provided, single submitter. Criteria: Invitae Variant Classification Sherloc (09022015). Collection method: clinical testing. Allele origin: germline.
Comment: This sequence change affects codon 255 of the ACTN1 mRNA. It is a 'silent' change, meaning that it does not change the encoded amino acid sequence of the ACTN1 protein. This variant is present in population databases (rs377509054, gnomAD 0.01%). This variant has not been reported in the literature in individuals affected with ACTN1-related conditions. Algorithms developed to predict the effect of sequence changes on RNA splicing suggest that this variant may create or strengthen a splice site. In summary, the available evidence is currently insufficient to determine the role of this variant in disease. Therefore, it has been classified as a Variant of Uncertain Significance.

NM_001130004.2(ACTN1):c.765G>A (p.Ala255=)

Gene: ACTN1 (actinin alpha 1; minus strand). Cytogenetic location: 14q24.1.
Variant type: single nucleotide variant.
Coding change: c.765G>A on transcript NM_001130004.2 (MANE Select); coding-DNA position 765, G replaced by A.
Protein change: p.Ala255=; no amino-acid change (alanine 255 retained).
Molecular consequence: synonymous variant. On other transcripts: 5 prime UTR variant (1).
Genome position (GRCh38, 1-based): chr14:68,893,745, C>T on the plus strand (G>A on the coding strand, the complement: ACTN1 is on the minus strand). VCF-style: chr14-68893745-C-T. GRCh37 (hg19) VCF-style: chr14-69360462-C-T.
Other names: c.765G>A, p.Ala255= (NM_001102.4, NM_001130005.2, NM_001411035.1 and 9 more transcripts); c.570G>A, p.Ala190= (NM_001411036.1, NM_001424026.1, NM_001424028.1); c.891G>A, p.Ala297= (NM_001424013.1); c.852G>A, p.Ala284= (NM_001424015.1); c.762G>A, p.Ala254= (NM_001424017.1); c.702G>A, p.Ala234= (NM_001424018.1, NM_001424020.1, NM_001424022.1); c.696G>A, p.Ala232= (NM_001424021.1); c.-61G>A (NM_001424030.1).
Identifiers: ClinVar variation 4778237 (VCV004778237.1).